The following is an entry in ClinVar:

NM_007294.4(BRCA1):c.4330A>C (p.Asn1444His)

Gene: BRCA1 (BRCA1 DNA repair associated; minus strand). Cytogenetic location: 17q21.31.
Variant type: single nucleotide variant.
Coding change: c.4330A>C on transcript NM_007294.4 (MANE Select); coding-DNA position 4330, A replaced by C.
Protein change: p.Asn1444His; replaces asparagine 1444 with histidine.
Molecular consequence: missense variant.
Genome position (GRCh38, 1-based): chr17:43,082,431, T>G on the plus strand (A>C on the coding strand, the complement: BRCA1 is on the minus strand). VCF-style: chr17-43082431-T-G. GRCh37 (hg19) VCF-style: chr17-41234448-T-G.
Other names: c.4066A>C, p.Asn1356His (NM_001407924.1, NM_001407925.1, NM_001407927.1 and 7 more transcripts); c.4249A>C, p.Asn1417His (NM_001407662.1, NM_001407663.1, NM_001407656.1 and 1 more transcripts); c.4207A>C, p.Asn1403His (NM_001407664.1, NM_001407665.1, NM_001407666.1 and 13 more transcripts); c.4204A>C, p.Asn1402His (NM_001407670.1, NM_001407671.1, NM_001407672.1 and 12 more transcripts); c.4330A>C, p.Asn1444His (NM_001407684.1, NM_001407854.1, NM_001407858.1 and 23 more transcripts); c.4201A>C, p.Asn1401His (NM_001407685.1, NM_001407686.1, NM_001407687.1 and 2 more transcripts); c.4189A>C, p.Asn1397His (NM_001407692.1, NM_001407694.1, NM_001407695.1 and 23 more transcripts); c.4186A>C, p.Asn1396His (NM_001407740.1, NM_001407741.1, NM_001407742.1 and 23 more transcripts); and 51 more; short protein forms N1316H, N1354H, N1372H, N1374H, N1397H, N1402H, N1417H, N1442H.
Identifiers: ClinVar variation 2565340 (VCV002565340.3), dbSNP rs2154146876, ClinGen allele CA10593066.

ClinVar aggregate classification (germline): Uncertain significance. Review status: criteria provided, multiple submitters, no conflicts (2 of 4 stars). 2 submissions from 2 submitters: Uncertain significance (2). Last evaluated 2025-10-16.

Conditions:
Hereditary breast ovarian cancer syndrome. Also called: BRCA1- and BRCA2-Associated Hereditary Breast and Ovarian Cancer; Hereditary breast and ovarian cancer syndrome (HBOC); Hereditary breast and ovarian cancer syndrome; Breast and ovarian cancer; Hereditary breast and/or ovarian cancer syndrome; Hereditary breast and ovarian cancer. Identifiers: Orphanet 145, MedGen C0677776, MeSH D061325, MONDO:0003582. Disease mechanism: loss of function.
Hereditary cancer-predisposing syndrome. Also called: Neoplastic Syndromes, Hereditary; Hereditary Cancer Syndrome; Hereditary neoplastic syndrome; Tumor predisposition. Identifiers: Orphanet 140162, MedGen C0027672, MeSH D009386, MONDO:0015356.

Submissions (2):

Labcorp Genetics (formerly Invitae), Labcorp
Classification: Uncertain significance for Hereditary breast ovarian cancer syndrome. Last evaluated: 2025-10-16. Review status: criteria provided, single submitter. Criteria: Invitae Variant Classification Sherloc (09022015). Collection method: clinical testing. Allele origin: germline.
Comment: This sequence change replaces asparagine, which is neutral and polar, with histidine, which is basic and polar, at codon 1444 of the BRCA1 protein (p.Asn1444His). This variant is not present in population databases (gnomAD no frequency). This variant has not been reported in the literature in individuals affected with BRCA1-related conditions. ClinVar contains an entry for this variant (Variation ID: 2565340). Invitae Evidence Modeling of protein sequence and biophysical properties (such as structural, functional, and spatial information, amino acid conservation, physicochemical variation, residue mobility, and thermodynamic stability) indicates that this missense variant is not expected to disrupt BRCA1 protein function with a negative predictive value of 80%. In summary, the available evidence is currently insufficient to determine the role of this variant in disease. Therefore, it has been classified as a Variant of Uncertain Significance.

Ambry Genetics
Classification: Uncertain significance for Hereditary cancer-predisposing syndrome. Last evaluated: 2023-04-18. Review status: criteria provided, single submitter. Criteria: Ambry Variant Classification Scheme 2023. Collection method: clinical testing. Allele origin: germline.
Comment: The p.N1444H variant (also known as c.4330A>C), located in coding exon 11 of the BRCA1 gene, results from an A to C substitution at nucleotide position 4330. The asparagine at codon 1444 is replaced by histidine, an amino acid with similar properties. This amino acid position is conserved. In addition, this alteration is predicted to be tolerated by in silico analysis. Since supporting evidence is limited at this time, the clinical significance of this alteration remains unclear.